The following is an entry in ClinVar:

ClinVar aggregate classification (germline): Uncertain significance. Review status: criteria provided, multiple submitters, no conflicts (2 of 4 stars). 2 submissions from 2 submitters: Uncertain significance (2). Last evaluated 2024-09-23.

Conditions:
Hereditary cancer-predisposing syndrome. Also called: Neoplastic Syndromes, Hereditary; Tumor predisposition; Hereditary Cancer Syndrome; Hereditary neoplastic syndrome. Identifiers: Orphanet 140162, MedGen C0027672, MeSH D009386, MONDO:0015356.

Submissions (2):

Color Diagnostics, LLC DBA Color Health
Classification: Uncertain significance for Hereditary cancer-predisposing syndrome. Last evaluated: 2024-09-23. Review status: criteria provided, single submitter. Criteria: ACMG Guidelines, 2015. Collection method: clinical testing. Allele origin: germline.
Comment: This missense variant replaces valine with aspartic acid at codon 2711 of the APC protein. Computational prediction suggests that this variant may not impact protein structure and function (internally defined REVEL score threshold <= 0.5, PMID: 27666373). To our knowledge, functional studies have not been reported for this variant. This variant has not been reported in individuals affected with APC-related disorders in the literature. This variant has not been identified in the general population by the Genome Aggregation Database (gnomAD). The available evidence is insufficient to determine the role of this variant in disease conclusively. Therefore, this variant is classified as a Variant of Uncertain Significance.

Ambry Genetics
Classification: Uncertain significance for Hereditary cancer-predisposing syndrome. Last evaluated: 2022-07-01. Review status: criteria provided, single submitter. Criteria: Ambry Variant Classification Scheme 2023. Collection method: clinical testing. Allele origin: germline.
Comment: The p.V2711D variant (also known as c.8132T>A), located in coding exon 15 of the APC gene, results from a T to A substitution at nucleotide position 8132. The valine at codon 2711 is replaced by aspartic acid, an amino acid with highly dissimilar properties. This amino acid position is conserved. In addition, in silico predictors for this gene do not accurately predict pathogenicity. Since supporting evidence is limited at this time, the clinical significance of this alteration remains unclear.

NM_000038.6(APC):c.8132T>A (p.Val2711Asp)

Gene: APC (APC regulator of Wnt signaling pathway; plus strand). Cytogenetic location: 5q22.2.
Variant type: single nucleotide variant.
Coding change: c.8132T>A on transcript NM_000038.6 (MANE Select); coding-DNA position 8132, T replaced by A.
Protein change: p.Val2711Asp; replaces valine 2711 with aspartic acid.
Molecular consequence: missense variant.
Genome position (GRCh38, 1-based): chr5:112,843,726, T>A. VCF-style: chr5-112843726-T-A. GRCh37 (hg19) VCF-style: chr5-112179423-T-A.
Other names: c.8132T>A, p.Val2711Asp (NM_001127510.3, NM_001354895.2, NM_001407450.1); c.8078T>A, p.Val2693Asp (NM_001127511.3); c.8186T>A, p.Val2729Asp (NM_001354896.2, NM_001407447.1, NM_001407448.1 and 1 more transcripts); c.8162T>A, p.Val2721Asp (NM_001354897.2); c.8057T>A, p.Val2686Asp (NM_001354898.2); c.8048T>A, p.Val2683Asp (NM_001354899.2); c.8009T>A, p.Val2670Asp (NM_001354900.2); c.7955T>A, p.Val2652Asp (NM_001354901.2, NM_001407453.1); and 11 more; short protein forms V2327D, V2428D, V2551D, V2585D, V2620D, V2683D, V2628D, V2693D.
Identifiers: ClinVar variation 1762138 (VCV001762138.3), dbSNP rs2149999723, ClinGen allele CA16038995.
Genomic context (GRCh38, chr5:112,843,726, plus strand): 5'-ATCCAAACATTAAAGATTCAAAAGATAATCAGGCAAAACAAAATGTGGGTAATGGCAGTG[T>A]TCCCATGCGTACCGTGGGTTTGGAAAATCGCCTGAACTCCTTTATTCAGGTGGATGCCCC-3'
Protein context (NP_000029.2, residues 2701-2721): QAKQNVGNGS[Val2711Asp]PMRTVGLENR